The following is an entry in ClinVar:

NC_000006.12:g.(?_129486464)_(129486632_?)del

Gene: LAMA2 (laminin subunit alpha 2; plus strand). Cytogenetic location: 6q22.33.
Variant type: Deletion.
Identifiers: ClinVar variation 831646 (VCV000831646.1).

ClinVar aggregate classification (germline): Pathogenic (1 of 4 stars; one submission).

Conditions:
LAMA2-related muscular dystrophy (LAMA2-RD). Also called: Laminin alpha 2-related dystrophy. Identifiers: MedGen C5679788, MONDO:0100228.

Submission:

Labcorp Genetics (formerly Invitae), Labcorp
Classification: Pathogenic for Laminin alpha 2-related dystrophy. Last evaluated: 2019-01-28. Review status: criteria provided, single submitter. Criteria: Invitae Variant Classification Sherloc (09022015). Collection method: clinical testing. Allele origin: germline.
Comment: This variant is a gross deletion of the genomic region encompassing exons 56 of the LAMA2 gene. This creates a premature translational stop signal and is expected to result in an absent or disrupted protein product. Loss-of-function variants in LAMA2 are known to be pathogenic. A deletion encompassing exon 56, c.7750-1713_7899-2153del, has been reported in multiple individuals affected with congenital muscular dystrophy (PMID: 18700894). For these reasons, this variant has been classified as Pathogenic.

Literature cited by the submitters: PubMed 18700894.